The following is an entry in ClinVar:

NM_014339.7(IL17RA):c.2015C>G (p.Ala672Gly)

Gene: IL17RA (interleukin 17 receptor A; plus strand). Cytogenetic location: 22q11.1.
Variant type: single nucleotide variant.
Coding change: c.2015C>G on transcript NM_014339.7 (MANE Select); coding-DNA position 2015, C replaced by G.
Protein change: p.Ala672Gly; replaces alanine 672 with glycine.
Molecular consequence: missense variant.
Genome position (GRCh38, 1-based): chr22:17,109,234, C>G. VCF-style: chr22-17109234-C-G. GRCh37 (hg19) VCF-style: chr22-17590124-C-G.
Other names: c.1913C>G, p.Ala638Gly (NM_001289905.2); short protein forms A638G, A672G.
Identifiers: ClinVar variation 1483741 (VCV001483741.5), dbSNP rs1195489020, ClinGen allele CA410220104.

ClinVar aggregate classification (germline): Uncertain significance (1 of 4 stars; one submission).

Conditions:
Immunodeficiency 51 (IMD51). Also called: CANDIDIASIS, FAMILIAL, 5. Identifiers: Orphanet 1334, MedGen C4310803, MONDO:0013500, OMIM 613953.

Submission:

Labcorp Genetics (formerly Invitae), Labcorp
Classification: Uncertain significance for Immunodeficiency 51. Last evaluated: 2021-09-24. Review status: criteria provided, single submitter. Criteria: Invitae Variant Classification Sherloc (09022015). Collection method: clinical testing. Allele origin: germline.
Comment: This sequence change replaces alanine with glycine at codon 672 of the IL17RA protein (p.Ala672Gly). The alanine residue is weakly conserved and there is a small physicochemical difference between alanine and glycine. The frequency data for this variant in the population databases is considered unreliable, as metrics indicate insufficient coverage at this position in the ExAC database. This variant has not been reported in the literature in individuals with IL17RA-related conditions. Algorithms developed to predict the effect of missense changes on protein structure and function output the following: SIFT: "Tolerated"; PolyPhen-2: "Benign"; Align-GVGD: "Class C0". The glycine amino acid residue is found in multiple mammalian species, suggesting that this missense change does not adversely affect protein function. These predictions have not been confirmed by published functional studies and their clinical significance is uncertain. In summary, the available evidence is currently insufficient to determine the role of this variant in disease. Therefore, it has been classified as a Variant of Uncertain Significance.